The following is an entry in ClinVar:

ClinVar aggregate classification (germline): Uncertain significance. Review status: criteria provided, multiple submitters, no conflicts (2 of 4 stars). 2 submissions from 2 submitters: Uncertain significance (2). Last evaluated 2025-08-21.

Conditions:
Hereditary cancer-predisposing syndrome. Also called: Hereditary Cancer Syndrome; Hereditary neoplastic syndrome; Neoplastic Syndromes, Hereditary; Tumor predisposition. Identifiers: Orphanet 140162, MedGen C0027672, MeSH D009386, MONDO:0015356.
EGFR-related lung cancer (EGFR). Identifiers: MedGen CN130014.

Allele frequency attached by ClinVar (database versions not stated): gnomAD exomes below 0.00001.
gnomAD v4.1: 1 of 1,614,254 alleles (0.000062%); highest among the groups gnomAD compares: East Asian, 0.0022%; no homozygotes.

Submissions (2):

Ambry Genetics
Classification: Uncertain significance for Hereditary cancer-predisposing syndrome. Last evaluated: 2025-08-21. Review status: criteria provided, single submitter. Criteria: Ambry Variant Classification Scheme 2023. Collection method: clinical testing. Allele origin: germline.
Comment: The p.P691T variant (also known as c.2071C>A), located in coding exon 18 of the EGFR gene, results from a C to A substitution at nucleotide position 2071. The proline at codon 691 is replaced by threonine, an amino acid with highly similar properties. This amino acid position is highly conserved in available vertebrate species. In addition, this alteration is predicted to be deleterious by in silico analysis. Based on the available evidence, the clinical significance of this variant remains unclear.

Labcorp Genetics (formerly Invitae), Labcorp
Classification: Uncertain significance for EGFR-related lung cancer. Last evaluated: 2024-11-27. Review status: criteria provided, single submitter. Criteria: Invitae Variant Classification Sherloc (09022015). Collection method: clinical testing. Allele origin: germline.
Comment: This sequence change replaces proline, which is neutral and non-polar, with threonine, which is neutral and polar, at codon 691 of the EGFR protein (p.Pro691Thr). This variant is present in population databases (no rsID available, gnomAD 0.006%). This variant has not been reported in the literature in individuals affected with EGFR-related conditions. ClinVar contains an entry for this variant (Variation ID: 1434110). Invitae Evidence Modeling of protein sequence and biophysical properties (such as structural, functional, and spatial information, amino acid conservation, physicochemical variation, residue mobility, and thermodynamic stability) has been performed for this missense variant. However, the output from this modeling did not meet the statistical confidence thresholds required to predict the impact of this variant on EGFR protein function. In summary, the available evidence is currently insufficient to determine the role of this variant in disease. Therefore, it has been classified as a Variant of Uncertain Significance.

NM_005228.5(EGFR):c.2071C>A (p.Pro691Thr)

Gene: EGFR (epidermal growth factor receptor; plus strand). Cytogenetic location: 7p11.2.
Variant type: single nucleotide variant.
Coding change: c.2071C>A on transcript NM_005228.5 (MANE Select); coding-DNA position 2071, C replaced by A.
Protein change: p.Pro691Thr; replaces proline 691 with threonine.
Molecular consequence: missense variant.
Genome position (GRCh38, 1-based): chr7:55,173,930, C>A. VCF-style: chr7-55173930-C-A. GRCh37 (hg19) VCF-style: chr7-55241623-C-A.
Other names: c.2071C>A (NM_005228.3); c.1936C>A, p.Pro646Thr (NM_001346897.2, NM_001346899.2); c.2071C>A, p.Pro691Thr (NM_001346898.2); c.1912C>A, p.Pro638Thr (NM_001346900.2); c.1270C>A, p.Pro424Thr (NM_001346941.2); short protein forms P424T, P638T, P646T, P691T.
Identifiers: ClinVar variation 1434110 (VCV001434110.7), dbSNP rs1168763004, ClinGen allele CA367583397.